The following is an entry in ClinVar:

NM_000317.3(PTS):c.174_175del (p.Val59fs)

Gene: PTS (6-pyruvoyltetrahydropterin synthase; plus strand). Cytogenetic location: 11q23.1.
Variant type: Deletion.
Coding change: c.174_175del on transcript NM_000317.3 (MANE Select); coding-DNA positions 174 to 175, 2 bases deleted (AG; older notation c.174_175delAG).
Protein change: p.Val59fs; shifts the reading frame from valine 59.
Molecular consequence: frameshift variant.
Genome position (GRCh38, 1-based): chr11:112,230,218-112,230,219, AG deleted. VCF-style (leftmost placement, unchanged base first): chr11-112230217-CAG-C. GRCh37 (hg19) VCF-style: chr11-112100940-CAG-C.
Other names: short protein forms V59fs.
Identifiers: ClinVar variation 1378622 (VCV001378622.8), dbSNP rs2135408968, ClinGen allele CA2573146808.

ClinVar aggregate classification (germline): Pathogenic/Likely pathogenic. Review status: criteria provided, multiple submitters, no conflicts (2 of 4 stars). 3 submissions from 3 submitters: Pathogenic (2); Likely pathogenic (1). Last evaluated 2022-05-13.

Conditions:
6-Pyruvoyl-tetrahydrobiopterin synthase deficiency. Also called: Hyperphenylalanemia, BH4-deficient, A; Hyperphenylalaninemia due to 6-pyruvoyl-tetrahydropterin synthase deficiency; BH4-deficient hyperphenylalaninemia A; PTS-Related Tetrahydrobiopterin Deficiency; 6-Pyruvoyltetrahydropterin Synthase Deficiency; HYPERPHENYLALANINEMIA, TETRAHYDROBIOPTERIN-DEFICIENT, DUE TO PTS DEFICIENCY. Identifiers: Orphanet 13, Orphanet 238583, MedGen C0878676, MONDO:0009863, OMIM 261640.

Submissions (3):

Baylor Genetics
Classification: Likely pathogenic for 6-Pyruvoyl-tetrahydrobiopterin synthase deficiency. Last evaluated: 2022-05-13. Review status: criteria provided, single submitter. Criteria: ACMG Guidelines, 2015. Collection method: clinical testing. Allele origin: unknown.

Labcorp Genetics (formerly Invitae), Labcorp
Classification: Pathogenic for 6-Pyruvoyl-tetrahydrobiopterin synthase deficiency. Last evaluated: 2021-08-09. Review status: criteria provided, single submitter. Criteria: Invitae Variant Classification Sherloc (09022015). Collection method: clinical testing. Allele origin: germline.
Comment: For these reasons, this variant has been classified as Pathogenic. This variant has not been reported in the literature in individuals affected with PTS-related conditions. This variant is not present in population databases (ExAC no frequency). This sequence change creates a premature translational stop signal (p.Val59Thrfs*5) in the PTS gene. It is expected to result in an absent or disrupted protein product. Loss-of-function variants in PTS are known to be pathogenic (PMID: 3297709, 16917893).

Kariminejad - Najmabadi Pathology & Genetics Center
Classification: Pathogenic for 6-Pyruvoyl-tetrahydrobiopterin synthase deficiency. Review status: criteria provided, single submitter. Criteria: ACMG Guidelines, 2015. Collection method: clinical testing. Allele origin: germline. Affected: no.

Literature cited by the submitters: PubMed 3297709 (cited by Labcorp Genetics (formerly Invitae), Labcorp); PubMed 16917893 (cited by Labcorp Genetics (formerly Invitae), Labcorp).